The following is an entry in ClinVar:

NM_000059.4(BRCA2):c.449A>G (p.His150Arg)

Gene: BRCA2 (BRCA2 DNA repair associated; plus strand). Cytogenetic location: 13q13.1.
Variant type: single nucleotide variant.
Coding change: c.449A>G on transcript NM_000059.4 (MANE Select); coding-DNA position 449, A replaced by G.
Protein change: p.His150Arg; replaces histidine 150 with arginine.
Molecular consequence: missense variant.
Genome position (GRCh38, 1-based): chr13:32,326,124, A>G. VCF-style: chr13-32326124-A-G. GRCh37 (hg19) VCF-style: chr13-32900261-A-G.
Other names: short protein forms H150R.
Identifiers: ClinVar variation 51657 (VCV000051657.38), dbSNP rs397507722, ClinGen allele CA020291.

ClinVar aggregate classification (germline): Conflicting classifications of pathogenicity. Review status: criteria provided, conflicting classifications (1 of 4 stars). 12 submissions from 12 submitters: Uncertain significance (9); Likely benign (2). 1 of the submissions does not count toward it. Last evaluated 2025-12-29.

Conditions:
Hereditary cancer-predisposing syndrome. Also called: Neoplastic Syndromes, Hereditary; Tumor predisposition; Hereditary Cancer Syndrome; Hereditary neoplastic syndrome. Identifiers: Orphanet 140162, MedGen C0027672, MeSH D009386, MONDO:0015356.
Hereditary breast ovarian cancer syndrome. Also called: Hereditary breast and ovarian cancer syndrome; Hereditary breast and ovarian cancer; Hereditary breast and ovarian cancer syndrome (HBOC); Breast and ovarian cancer; Hereditary breast and/or ovarian cancer syndrome; BRCA1- and BRCA2-Associated Hereditary Breast and Ovarian Cancer. Identifiers: Orphanet 145, MedGen C0677776, MeSH D061325, MONDO:0003582. Disease mechanism: loss of function.
Breast-ovarian cancer, familial, susceptibility to, 2 (BROVCA2). Also called: BRCA2 Hereditary Breast and Ovarian Cancer. Identifiers: Orphanet 145, MedGen C2675520, MONDO:0012933, OMIM 612555. Disease mechanism: loss of function.
BRCA2-related cancer predisposition. Identifiers: MedGen CN377758, MONDO:0700269.
Familial cancer of breast. Also called: BREAST CANCER, FAMILIAL; Hereditary breast cancer; hereditary breast carcinoma. Identifiers: Orphanet 227535, MedGen C0346153, MONDO:0016419, OMIM 114480. Disease mechanism: loss of function.

Allele frequency attached by ClinVar (database versions not stated): gnomAD 0.00001; TOPMed 0.00002.

Submissions (12):

Center for Genomic Medicine, Rigshospitalet, Copenhagen University Hospital
Classification: Likely benign. Last evaluated: 2025-12-29. Review status: criteria provided, single submitter. Criteria: ACMG Guidelines, 2015. Collection method: clinical testing. Allele origin: germline.
Comment: Classification criteria: BP1_strong

Labcorp Genetics (formerly Invitae), Labcorp
Classification: Uncertain significance for Hereditary breast ovarian cancer syndrome. Last evaluated: 2025-12-15. Review status: criteria provided, single submitter. Criteria: Invitae Variant Classification Sherloc (09022015). Collection method: clinical testing. Allele origin: germline.
Comment: This sequence change replaces histidine, which is basic and polar, with arginine, which is basic and polar, at codon 150 of the BRCA2 protein (p.His150Arg). This variant is not present in population databases (gnomAD no frequency). This missense change has been observed in individual(s) with breast cancer (PMID: 15876480, 33850299, 35264596). This variant is also known as 677A>G. ClinVar contains an entry for this variant (Variation ID: 51657). Invitae Evidence Modeling of protein sequence and biophysical properties (such as structural, functional, and spatial information, amino acid conservation, physicochemical variation, residue mobility, and thermodynamic stability) indicates that this missense variant is not expected to disrupt BRCA2 protein function with a negative predictive value of 95%. In summary, the available evidence is currently insufficient to determine the role of this variant in disease. Therefore, it has been classified as a Variant of Uncertain Significance.

Quest Diagnostics Nichols Institute San Juan Capistrano
Classification: Uncertain significance. Last evaluated: 2025-06-17. Review status: criteria provided, single submitter. Criteria: Quest Diagnostics criteria. Collection method: clinical testing. Allele origin: unknown.
Comment: The BRCA2 c.449A>G (p.His150Arg) variant has been reported in the published literature in individuals with breast cancer (PMID: 38709234 (2024), 35264596 (2022), 15876480 (2006)), and pancreatic cancer (PMID: 35714671 (2022)). The frequency of this variant in the general population (Genome Aggregation Database) is uninformative in the assessment of its pathogenicity. Analysis of this variant using bioinformatics tools for the prediction of the effect of amino acid changes on protein structure and function yielded predictions that this variant is benign. Based on the available information, we are unable to determine the clinical significance of this variant.

Ambry Genetics
Classification: Likely benign for Hereditary cancer-predisposing syndrome. Last evaluated: 2025-04-17. Review status: criteria provided, single submitter. Criteria: Ambry Variant Classification Scheme 2023. Collection method: clinical testing. Allele origin: germline.

Women's Health and Genetics/Laboratory Corporation of America, LabCorp
Classification: Uncertain significance. Last evaluated: 2025-03-31. Review status: criteria provided, single submitter. Criteria: LabCorp Variant Classification Summary - May 2015. Collection method: clinical testing. Allele origin: germline.
Comment: Variant summary: BRCA2 c.449A>G (p.His150Arg), also known as c.677A>G (p.His150Arg), results in a non-conservative amino acid change in the encoded protein sequence. Four of five in-silico tools predict a benign effect of the variant on protein function. The variant was absent in 251052 control chromosomes. The available data on variant occurrences in the general population are insufficient to allow any conclusion about variant significance. c.449A>G has been reported in the literature in individuals with breast cancer, as well as in at-least one individual with familial pancreatic cancer (example: Salazar_2006, Guindalini_2022, Wang_2022, Singhal_2021). These report(s) do not provide unequivocal conclusions about association of the variant with Hereditary Breast And Ovarian Cancer Syndrome. To our knowledge, no experimental evidence demonstrating an impact on protein function has been reported. The following publications have been ascertained in the context of this evaluation (PMID: 35264596, 15876480, 33850299, 35714671). ClinVar contains an entry for this variant (Variation ID: 51657). Based on the evidence outlined above, the variant was classified as uncertain significance.

Color Diagnostics, LLC DBA Color Health
Classification: Uncertain significance for Hereditary cancer-predisposing syndrome. Last evaluated: 2024-09-17. Review status: criteria provided, single submitter. Criteria: ACMG Guidelines, 2015. Collection method: clinical testing. Allele origin: germline.
Comment: This missense variant replaces histidine with arginine at codon 150 of the BRCA2 protein. Computational prediction suggests that this variant may not impact protein structure and function. To our knowledge, functional studies have not been reported for this variant. This variant has been reported in four individuals affected with breast cancer from three families and an individual with a family history of pancreatic cancer (PMID: 15876480, 35264596, 35714671). A multifactorial analysis has reported a likelihood ratio for pathogenicity based on personal and family history of 0.636 from log(LR)=-0.196588486 for one carrier (PMID: 31853058). This variant has not been identified in the general population by the Genome Aggregation Database (gnomAD). The available evidence is insufficient to determine the role of this variant in disease conclusively. Therefore, this variant is classified as a Variant of Uncertain Significance.

All of Us Research Program, National Institutes of Health
Classification: Uncertain significance for BRCA2-related cancer predisposition. Last evaluated: 2024-04-16. Review status: criteria provided, single submitter. Criteria: ACMG Guidelines, 2015. Collection method: clinical testing. Allele origin: germline. Inheritance: Autosomal dominant inheritance. Observed: 1 variant allele, 1 heterozygote.
Comment: This missense variant replaces histidine with arginine at codon 150 of the BRCA2 protein. Computational prediction suggests that this variant may not impact protein structure and function (internally defined REVEL score threshold <= 0.5, PMID: 27666373). To our knowledge, functional studies have not been reported for this variant. This variant has been reported in two related individuals affected with breast cancer and an individual with a family history of pancreatic cancer (PMID: 15876480, 35714671). This variant has not been identified in the general population by the Genome Aggregation Database (gnomAD). The available evidence is insufficient to determine the role of this variant in disease conclusively. Therefore, this variant is classified as a Variant of Uncertain Significance.

This study involves interpretation of variants in research participants for the purpose of population health screening. Participant phenotype was not available at the time of variant classification. Additional details can be found in publication PMID: 35346344, PMCID: PMC8962531

GeneDx
Classification: Uncertain significance. Last evaluated: 2024-02-20. Review status: criteria provided, single submitter. Criteria: GeneDx Variant Classification Process June 2021. Collection method: clinical testing. Allele origin: germline. Affected: yes.
Comment: Observed in individuals with a personal or family history including breast cancer and other cancers (PMID: 15876480, 31853058, 35264596); Not observed at significant frequency in large population cohorts (gnomAD); In silico analysis supports that this missense variant does not alter protein structure/function; Also known as 677A>G; This variant is associated with the following publications: (PMID: 15876480, 31853058, 35264596, 35743882, 32377563, 29884841)

Department of Pathology and Laboratory Medicine, Sinai Health System
Classification: Uncertain significance for Familial cancer of breast; Breast-ovarian cancer, familial, susceptibility to, 2. Last evaluated: 2022-01-25. Review status: criteria provided, single submitter. Criteria: ACMG Guidelines, 2015. Collection method: clinical testing. Allele origin: germline. Affected: yes.

Mendelics
Classification: Uncertain significance for Breast-ovarian cancer, familial, susceptibility to, 2. Last evaluated: 2019-05-28. Review status: criteria provided, single submitter. Criteria: Mendelics Assertion Criteria 2017. Collection method: clinical testing. Allele origin: unknown.

Genetic Services Laboratory, University of Chicago
Classification: Uncertain significance. Last evaluated: 2016-09-29. Review status: criteria provided, single submitter. Criteria: ACMG Guidelines, 2015. Collection method: clinical testing. Allele origin: germline. Affected: no.

Counsyl
Classification: Uncertain significance for Breast-ovarian cancer, familial, susceptibility to, 2. Last evaluated: 2018-04-18. Review status: no assertion criteria provided. Collection method: clinical testing. Allele origin: unknown. Not counted in ClinVar's aggregate classification.

Literature cited by the submitters: PubMed 15876480 (cited by 8 submitters); PubMed 33850299 (cited by 3 submitters); PubMed 35264596 (cited by 5 submitters); PubMed 35714671 (cited by 4 submitters); PubMed 31853058 (cited by Quest Diagnostics Nichols Institute San Juan Capistrano and Color Diagnostics, LLC DBA Color Health); PubMed 38709234 (cited by Quest Diagnostics Nichols Institute San Juan Capistrano); PubMed 39402389 (cited by Quest Diagnostics Nichols Institute San Juan Capistrano).